The following is an entry in ClinVar:

NM_001005337.3(PKP1):c.2058C>T (p.Leu686=)

Gene: PKP1 (plakophilin 1; plus strand). Cytogenetic location: 1q32.1.
Variant type: single nucleotide variant.
Coding change: c.2058C>T on transcript NM_001005337.3 (MANE Select); coding-DNA position 2058, C replaced by T.
Protein change: p.Leu686=; no amino-acid change (leucine 686 retained).
Molecular consequence: synonymous variant.
Genome position (GRCh38, 1-based): chr1:201,325,790, C>T. VCF-style: chr1-201325790-C-T. GRCh37 (hg19) VCF-style: chr1-201294918-C-T.
Other names: c.2121C>T, p.Leu707= (NM_000299.4).
Identifiers: ClinVar variation 4992550 (VCV004992550.1).

ClinVar aggregate classification (germline): Likely benign (1 of 4 stars; one submission).

Conditions:
PKP1-related disorder. Also called: PKP1-related condition.

gnomAD v4.1: 13 of 1,614,120 alleles (0.00081%); highest among the groups gnomAD compares: African/African-American, 0.017%; no homozygotes.

Submission:

PreventionGenetics, part of Exact Sciences
Classification: Likely benign for PKP1-related condition. Last evaluated: 2025-05-01. Review status: criteria provided, single submitter. Criteria: ACMG Guidelines, 2015. Collection method: clinical testing. Allele origin: germline.
Comment: This variant is classified as likely benign based on ACMG/AMP sequence variant interpretation guidelines (Richards et al. 2015 PMID: 25741868, with internal and published modifications).